The following is an entry in ClinVar:

NM_000520.6(HEXA):c.121C>T (p.Pro41Ser)

Gene: HEXA (hexosaminidase subunit alpha; minus strand). Cytogenetic location: 15q23.
Variant type: single nucleotide variant.
Coding change: c.121C>T on transcript NM_000520.6 (MANE Select); coding-DNA position 121, C replaced by T.
Protein change: p.Pro41Ser; replaces proline 41 with serine.
Molecular consequence: missense variant. On other transcripts: non-coding transcript variant (1).
Genome position (GRCh38, 1-based): chr15:72,375,852, G>A on the plus strand (C>T on the coding strand, the complement: HEXA is on the minus strand). VCF-style: chr15-72375852-G-A. GRCh37 (hg19) VCF-style: chr15-72668193-G-A.
Other names: c.121C>T, p.Pro41Ser (NM_001318825.2); short protein forms P41S.
Identifiers: ClinVar variation 2168820 (VCV002168820.1), dbSNP rs774947508, ClinGen allele CA393070507.

ClinVar aggregate classification (germline): Uncertain significance (1 of 4 stars; one submission).

Conditions:
Tay-Sachs disease (TSD). Also called: GM2 gangliosidosis, type 1; Hexosaminidase alpha-subunit deficiency (variant B); Sphingolipidosis, Tay-Sachs; Hexosaminidase A Deficiency; HEXA DEFICIENCY; HEXA Disorders. Identifiers: Orphanet 845, MedGen C0039373, MONDO:0010100, OMIM 272800.

Submission:

Labcorp Genetics (formerly Invitae), Labcorp
Classification: Uncertain significance for Tay-Sachs disease. Last evaluated: 2018-04-12. Review status: criteria provided, single submitter. Criteria: Invitae Variant Classification Sherloc (09022015). Collection method: clinical testing. Allele origin: germline.
Comment: This sequence change replaces proline with serine at codon 41 of the HEXA protein (p.Pro41Ser). The proline residue is moderately conserved and there is a moderate physicochemical difference between proline and serine. This variant is not present in population databases (ExAC no frequency). This variant has not been reported in the literature in individuals with HEXA-related disease. Algorithms developed to predict the effect of missense changes on protein structure and function do not agree on the potential impact of this missense change (SIFT: "Tolerated"; PolyPhen-2: "Possibly Damaging"; Align-GVGD: "Class C0"). In summary, the available evidence is currently insufficient to determine the role of this variant in disease. Therefore, it has been classified as a Variant of Uncertain Significance.